The following is an entry in ClinVar:

NM_004415.4(DSP):c.3620G>A (p.Arg1207Lys)

Gene: DSP (desmoplakin; plus strand). Cytogenetic location: 6p24.3.
Variant type: single nucleotide variant.
Coding change: c.3620G>A on transcript NM_004415.4 (MANE Select); coding-DNA position 3620, G replaced by A.
Protein change: p.Arg1207Lys; replaces arginine 1207 with lysine.
Molecular consequence: missense variant. On other transcripts: intron variant (1).
Genome position (GRCh38, 1-based): chr6:7,579,810, G>A. VCF-style: chr6-7579810-G-A. GRCh37 (hg19) VCF-style: chr6-7580043-G-A.
Other names: c.3620G>A, p.Arg1207Lys (NM_001319034.2); c.3582+38G>A (NM_001008844.3); short protein forms R1207K.
Identifiers: ClinVar variation 4758712 (VCV004758712.1).

ClinVar aggregate classification (germline): Uncertain significance (1 of 4 stars; one submission).

Conditions:
Cardiomyopathy (CMYO). Also called: Cardiomyopathies. Identifiers: Orphanet 167848, MedGen C0878544, MONDO:0004994, HP:0001638. Inheritance: Various modes of inheritance.

gnomAD v4.1: 1 of 1,613,996 alleles (0.000062%); highest among the groups gnomAD compares: Non-Finnish European, 0.000085%; no homozygotes.

Submission:

Color Diagnostics, LLC DBA Color Health
Classification: Uncertain significance for Cardiomyopathy. Last evaluated: 2025-05-27. Review status: criteria provided, single submitter. Criteria: ACMG Guidelines, 2015. Collection method: clinical testing. Allele origin: germline.
Comment: This missense variant replaces arginine with lysine at codon 1207 of the DSP protein. Computational prediction suggests that this variant may not impact protein structure and function. To our knowledge, functional studies have not been reported for this variant. This variant has been reported in an individual affected with malignant arrhythmia (PMID: 31484862). This variant has not been identified in the general population by the Genome Aggregation Database (gnomAD). The available evidence is insufficient to determine the role of this variant in disease conclusively. Therefore, this variant is classified as a Variant of Uncertain Significance.

Literature cited by the submitters: PubMed 31484862.